The following is an entry in ClinVar:

NM_014363.6(SACS):c.1656A>G (p.Leu552=)

Gene: SACS (sacsin molecular chaperone; minus strand). Cytogenetic location: 13q12.12.
Variant type: single nucleotide variant.
Coding change: c.1656A>G on transcript NM_014363.6 (MANE Select); coding-DNA position 1656, A replaced by G.
Protein change: p.Leu552=; no amino-acid change (leucine 552 retained).
Molecular consequence: synonymous variant.
Genome position (GRCh38, 1-based): chr13:23,354,956, T>C on the plus strand (A>G on the coding strand, the complement: SACS is on the minus strand). VCF-style: chr13-23354956-T-C. GRCh37 (hg19) VCF-style: chr13-23929095-T-C.
Other names: c.1215A>G, p.Leu405= (NM_001278055.2).
Identifiers: ClinVar variation 130202 (VCV000130202.39), dbSNP rs1536365, ClinGen allele CA155042.
Genomic context (GRCh38, chr13:23,354,956, plus strand): 5'-CAACCTGACCCAGTCACAGCTAATTGAATAAATCACTGCATTCTGCAACAGCTCGCTGAA[T>C]AGAGGCTCTAACACCGGTTGCCAGTGCACCTTGACTTTGCTCGCCTCCGGCCAAAGCTTA-3'
Protein context (NP_055178.3, residues 542-562): KVHWQPVLEP[Leu552=]FSELLQNAVI

ClinVar aggregate classification (germline): Benign/Likely benign. Review status: criteria provided, multiple submitters, no conflicts (2 of 4 stars). 13 submissions from 13 submitters: Benign (6); Likely benign (2). 5 of the submissions do not count toward it. Last evaluated 2026-02-04.

Conditions:
Hereditary spastic paraplegia. Also called: Familial spastic paraparesis. Identifiers: Orphanet 685, MedGen C0037773, MONDO:0019064. Disease mechanism: loss of function.
Charlevoix-Saguenay spastic ataxia (SACS). Also called: SPASTIC ATAXIA 6, AUTOSOMAL RECESSIVE; AUTOSOMAL RECESSIVE SPASTIC ATAXIA OF CHARLEVOIX-SAGUENAY; Spastic ataxia of Charlevoix-Saguenay. Identifiers: Orphanet 98, MedGen C1849140, MONDO:0010041, OMIM 270550.
Spastic paraplegia. Identifiers: MedGen C0037772, HP:0001258.

Allele frequency attached by ClinVar (database versions not stated): TOPMed 0.07956; 1000 Genomes Project 30x 0.08432; ESP Exome Variant Server 0.08481; gnomAD 0.08543 and 0.08888; 1000 Genomes Project 0.08666; gnomAD exomes 0.11193 and 0.11625; ExAC 0.11401.

Submissions (13):

Labcorp Genetics (formerly Invitae), Labcorp
Classification: Benign for Spastic paraplegia. Last evaluated: 2026-02-04. Review status: criteria provided, single submitter. Criteria: Invitae Variant Classification Sherloc (09022015). Collection method: clinical testing. Allele origin: germline.

Blueprint Genetics
Classification: Likely benign. Last evaluated: 2024-11-27. Review status: criteria provided, single submitter. Criteria: ACMG Guidelines, 2015. Collection method: clinical testing. Allele origin: germline.

Genome-Nilou Lab
Classification: Benign for Charlevoix-Saguenay spastic ataxia. Last evaluated: 2021-07-01. Review status: criteria provided, single submitter. Criteria: ACMG Guidelines, 2015. Collection method: clinical testing. Allele origin: germline. Affected: no.

GeneDx
Classification: Benign. Last evaluated: 2018-07-06. Review status: criteria provided, single submitter. Criteria: GeneDx Variant Classification Process June 2021. Collection method: clinical testing. Allele origin: germline. Affected: yes.

Genome Diagnostics Laboratory, The Hospital for Sick Children
Classification: Benign for Hereditary spastic paraplegia. Last evaluated: 2016-12-12. Review status: criteria provided, single submitter. Criteria: ACMG Guidelines, 2015. Collection method: clinical testing. Allele origin: germline. Affected: yes.

Clinical Genetics DNA and cytogenetics Diagnostics Lab, Erasmus MC, Erasmus Medical Center
Classification: Benign for Charlevoix-Saguenay spastic ataxia. Last evaluated: 2015-09-21. Review status: criteria provided, single submitter. Criteria: ACGS Guidelines, 2013. Collection method: clinical testing. Allele origin: germline. Affected: yes. Study: VKGL Data-share Consensus.

Breakthrough Genomics
Classification: Likely benign. Review status: criteria provided, single submitter. Criteria: ACMG Guidelines, 2015. Collection method: not provided. Allele origin: germline. Inheritance: Autosomal recessive inheritance. Affected: yes.

PreventionGenetics, part of Exact Sciences
Classification: Benign. Review status: criteria provided, single submitter. Criteria: ACMG Guidelines, 2015. Collection method: clinical testing. Allele origin: germline.

Natera, Inc.
Classification: Benign for Charlevoix-Saguenay type spastic ataxia. Last evaluated: 2019-11-21. Review status: no assertion criteria provided. Collection method: clinical testing. Allele origin: germline. Not counted in ClinVar's aggregate classification.

Mayo Clinic Laboratories, Mayo Clinic
Classification: Benign. Last evaluated: 2016-02-22. Review status: no assertion criteria provided. Collection method: clinical testing. Allele origin: unknown. Not counted in ClinVar's aggregate classification.

Diagnostic Laboratory, Department of Genetics, University Medical Center Groningen
Classification: Benign for Charlevoix-Saguenay spastic ataxia. Review status: no assertion criteria provided. Collection method: clinical testing. Allele origin: germline. Affected: yes. Study: VKGL Data-share Consensus. Not counted in ClinVar's aggregate classification.

Genetic Services Laboratory, University of Chicago
Classification: Likely benign for AllHighlyPenetrant. Review status: no assertion criteria provided. Collection method: clinical testing. Allele origin: germline. Inheritance: Autosomal recessive inheritance. Not counted in ClinVar's aggregate classification.
Comment: Likely benign based on allele frequency in 1000 Genomes Project or ESP global frequency and its presence in a patient with a rare or unrelated disease phenotype. NOT Sanger confirmed.

Joint Genome Diagnostic Labs from Nijmegen and Maastricht, Radboudumc and MUMC+
Classification: Benign. Review status: no assertion criteria provided. Collection method: clinical testing. Allele origin: germline. Affected: yes. Study: VKGL Data-share Consensus. Not counted in ClinVar's aggregate classification.